The following is an entry in ClinVar:

NM_018117.12(WDR11):c.1849G>T (p.Glu617Ter)

Gene: WDR11 (WD repeat domain 11; plus strand). Cytogenetic location: 10q26.12.
Variant type: single nucleotide variant.
Coding change: c.1849G>T on transcript NM_018117.12 (MANE Select); coding-DNA position 1849, G replaced by T.
Protein change: p.Glu617Ter; replaces glutamic acid 617 with a stop codon.
Molecular consequence: nonsense.
Genome position (GRCh38, 1-based): chr10:120,885,814, G>T. VCF-style: chr10-120885814-G-T. GRCh37 (hg19) VCF-style: chr10-122645326-G-T.
Other names: short protein forms E617*.
Identifiers: ClinVar variation 928566 (VCV000928566.1), dbSNP rs1847196520, ClinGen allele CA378327703.

ClinVar aggregate classification (germline): Likely pathogenic (1 of 4 stars; one submission).

Conditions:
Hypogonadotropic hypogonadism 14 with or without anosmia (HH14). Also called: HYPOGONADOTROPIC HYPOGONADISM 14 WITHOUT ANOSMIA. Identifiers: Orphanet 478, MedGen C3540450, MONDO:0013926, OMIM 614858.

Allele frequency attached by ClinVar (database versions not stated): gnomAD exomes below 0.00001.
gnomAD v4.1: 1 of 1,613,636 alleles (0.000062%); highest among the groups gnomAD compares: South Asian, 0.0011%; no homozygotes.

Submission:

Women's Health and Genetics/Laboratory Corporation of America, LabCorp
Classification: Likely pathogenic for Hypogonadotropic hypogonadism 14 with or without anosmia. Last evaluated: 2019-01-16. Review status: criteria provided, single submitter. Criteria: LabCorp Variant Classification Summary - May 2015. Collection method: clinical testing. Allele origin: germline.
Comment: Variant summary: WDR11 c.1849G>T (p.Glu617X) results in a premature termination codon, predicted to cause a truncation of the encoded protein or absence of the protein due to nonsense mediated decay. The variant was absent in 30962 control chromosomes (gnomAD). To our knowledge, no occurrence of c.1849G>T in individuals affected with Hypogonadotropic hypogonadism 14 with or without anosmia and no experimental evidence demonstrating its impact on protein function have been reported. No clinical diagnostic laboratories have submitted clinical-significance assessments for this variant to ClinVar after 2014. HGMD predominantly reports missense variants as causes for Hypogonadotropic hypogonadism. Kim_2010 (PMID: 20887964) indicates the importance of protein-protein interaction for this gene utilizing the WD repeat domains. This variant would result in the truncation of the WDR11 protein removing multiple key WD repeat domains. Based on the evidence outlined above, the variant was classified as likely pathogenic.